The following is an entry in ClinVar:

ClinVar aggregate classification (germline): Uncertain significance (1 of 4 stars; one submission).

Conditions:
Cardiovascular phenotype. Identifiers: MedGen CN230736.

Allele frequency attached by ClinVar (database versions not stated): gnomAD exomes below 0.00001.
gnomAD v4.1: 2 of 1,614,052 alleles (0.00012%); highest among the groups gnomAD compares: Non-Finnish European, 0.000085%; no homozygotes.

Submission:

Ambry Genetics
Classification: Uncertain significance for Cardiovascular phenotype. Last evaluated: 2022-10-23. Review status: criteria provided, single submitter. Criteria: Ambry Variant Classification Scheme 2023. Collection method: clinical testing. Allele origin: germline.
Comment: The p.G2394R variant (also known as c.7180G>A), located in coding exon 38 of the ANK2 gene, results from a G to A substitution at nucleotide position 7180. The glycine at codon 2394 is replaced by arginine, an amino acid with dissimilar properties. This amino acid position is conserved. In addition, this alteration is predicted to be tolerated by in silico analysis. Since supporting evidence is limited at this time, the clinical significance of this alteration remains unclear.

NM_001148.6(ANK2):c.7180G>A (p.Gly2394Arg)

Genes: ANK2 (ankyrin 2; plus strand), LOC126807137 (CDK7 strongly-dependent group 2 enhancer GRCh37_chr4:114276560-114277759; plus strand). Cytogenetic location: 4q26.
Variant type: single nucleotide variant.
Coding change: c.7180G>A on transcript NM_001148.6 (MANE Select); coding-DNA position 7180, G replaced by A.
Protein change: p.Gly2394Arg; replaces glycine 2394 with arginine.
Molecular consequence: missense variant. On other transcripts: intron variant (68).
Genome position (GRCh38, 1-based): chr4:113,355,798, G>A. VCF-style: chr4-113355798-G-A. GRCh37 (hg19) VCF-style: chr4-114276954-G-A.
Other names: c.6946G>A, p.Gly2316Arg (NM_001386142.1); c.3580G>A, p.Gly1194Arg (NM_001386166.1); c.7321G>A, p.Gly2441Arg (NM_001386174.1); c.7297G>A, p.Gly2433Arg (NM_001386175.1); c.4412-5025G>A (NM_001386186.2, NM_001386148.2); c.4214-5025G>A (NM_001354269.3); c.4292-5025G>A (NM_001386187.2); c.4253-5025G>A (NM_001386147.1); and 35 more; short protein forms G2394R, G2441R, G1194R, G2316R, G2433R.
Identifiers: ClinVar variation 1757542 (VCV001757542.2), dbSNP rs2154024184, ClinGen allele CA357929744.